The following is an entry in ClinVar:

NM_000199.5(SGSH):c.188C>T (p.Ala63Val)

Gene: SGSH (N-sulfoglucosamine sulfohydrolase; minus strand). Cytogenetic location: 17q25.3.
Variant type: single nucleotide variant.
Coding change: c.188C>T on transcript NM_000199.5 (MANE Select); coding-DNA position 188, C replaced by T.
Protein change: p.Ala63Val; replaces alanine 63 with valine.
Molecular consequence: missense variant. On other transcripts: non-coding transcript variant (1).
Genome position (GRCh38, 1-based): chr17:80,217,093, G>A on the plus strand (C>T on the coding strand, the complement: SGSH is on the minus strand). VCF-style: chr17-80217093-G-A. GRCh37 (hg19) VCF-style: chr17-78190892-G-A.
Other names: c.188C>T, p.Ala63Val (NM_001352921.3, NM_001352922.2); short protein forms A63V.
Identifiers: ClinVar variation 1377461 (VCV001377461.5), dbSNP rs985515930, ClinGen allele CA294900016.

ClinVar aggregate classification (germline): Uncertain significance (1 of 4 stars; one submission).

Conditions:
Mucopolysaccharidosis, MPS-III-A (MPS3A). Also called: Mucopolysaccharidosis, type IIIA; mucopolysaccharidosis type 3A; MPS IIIA (Sanfilippo Syndrome Type A); HEPARAN SULFATE SULFATASE DEFICIENCY; Mucopolysaccharidosis type IIIA (Sanfilippo A); SANFILIPPO SYNDROME A. Identifiers: Orphanet 581, Orphanet 79269, MedGen C0086647, MONDO:0009655, OMIM 252900.

Allele frequency attached by ClinVar (database versions not stated): TOPMed below 0.00001.

Submission:

Labcorp Genetics (formerly Invitae), Labcorp
Classification: Uncertain significance for Mucopolysaccharidosis, MPS-III-A. Last evaluated: 2025-09-04. Review status: criteria provided, single submitter. Criteria: Invitae Variant Classification Sherloc (09022015). Collection method: clinical testing. Allele origin: germline.
Comment: This sequence change replaces alanine, which is neutral and non-polar, with valine, which is neutral and non-polar, at codon 63 of the SGSH protein (p.Ala63Val). This variant is not present in population databases (gnomAD no frequency). This variant has not been reported in the literature in individuals affected with SGSH-related conditions. ClinVar contains an entry for this variant (Variation ID: 1377461). Invitae Evidence Modeling of protein sequence and biophysical properties (such as structural, functional, and spatial information, amino acid conservation, physicochemical variation, residue mobility, and thermodynamic stability) has been performed for this missense variant. However, the output from this modeling did not meet the statistical confidence thresholds required to predict the impact of this variant on SGSH protein function. In summary, the available evidence is currently insufficient to determine the role of this variant in disease. Therefore, it has been classified as a Variant of Uncertain Significance.